The following is an entry in ClinVar:

NM_198994.3(TGM6):c.986T>C (p.Met329Thr)

Gene: TGM6 (transglutaminase 6; plus strand). Cytogenetic location: 20p13.
Variant type: single nucleotide variant.
Coding change: c.986T>C on transcript NM_198994.3 (MANE Select); coding-DNA position 986, T replaced by C.
Protein change: p.Met329Thr; replaces methionine 329 with threonine.
Molecular consequence: missense variant.
Genome position (GRCh38, 1-based): chr20:2,400,441, T>C. VCF-style: chr20-2400441-T-C. GRCh37 (hg19) VCF-style: chr20-2381087-T-C.
Other names: c.986T>C, p.Met329Thr (NM_001254734.2); short protein forms M329T.
Identifiers: ClinVar variation 871370 (VCV000871370.51), dbSNP rs111506138, ClinGen allele CA9731905.

ClinVar aggregate classification (germline): Uncertain significance. Review status: criteria provided, multiple submitters, no conflicts (2 of 4 stars). 5 submissions from 5 submitters: Uncertain significance (5). Last evaluated 2023-11-27.

Conditions:
Inborn genetic diseases. Identifiers: MedGen C0950123, MeSH D030342.

Allele frequency attached by ClinVar (database versions not stated): gnomAD exomes 0.00002 and 0.00003; ExAC 0.00003; TOPMed 0.00008; gnomAD 0.00009 and 0.00012; ESP Exome Variant Server 0.00015; 1000 Genomes Project 30x 0.00031; 1000 Genomes Project 0.00040.
gnomAD v4.1: 91 of 1,614,076 alleles (0.0056%); highest among the groups gnomAD compares: African/African-American, 0.077%; 3 homozygotes.

Submissions (5):

Labcorp Genetics (formerly Invitae), Labcorp
Classification: Uncertain significance. Last evaluated: 2023-11-27. Review status: criteria provided, single submitter. Criteria: Invitae Variant Classification Sherloc (09022015). Collection method: clinical testing. Allele origin: germline.
Comment: This sequence change replaces methionine, which is neutral and non-polar, with threonine, which is neutral and polar, at codon 329 of the TGM6 protein (p.Met329Thr). This variant is present in population databases (rs111506138, gnomAD 0.02%). This variant has not been reported in the literature in individuals affected with TGM6-related conditions. ClinVar contains an entry for this variant (Variation ID: 871370). Advanced modeling of protein sequence and biophysical properties (such as structural, functional, and spatial information, amino acid conservation, physicochemical variation, residue mobility, and thermodynamic stability) performed at Invitae indicates that this missense variant is not expected to disrupt TGM6 protein function with a negative predictive value of 80%. In summary, the available evidence is currently insufficient to determine the role of this variant in disease. Therefore, it has been classified as a Variant of Uncertain Significance.

Ambry Genetics
Classification: Uncertain significance for Inborn genetic diseases. Last evaluated: 2022-09-14. Review status: criteria provided, single submitter. Criteria: Ambry Variant Classification Scheme 2023. Collection method: clinical testing. Allele origin: germline.

Athena Diagnostics
Classification: Uncertain significance. Last evaluated: 2021-04-16. Review status: criteria provided, single submitter. Criteria: Athena Diagnostics criteria. Collection method: clinical testing. Allele origin: unknown.

CeGaT Center for Human Genetics Tuebingen
Classification: Uncertain significance. Last evaluated: 2020-10-01. Review status: criteria provided, single submitter. Criteria: CeGaT Center For Human Genetics Tuebingen Variant Classification Criteria Version 2. Collection method: clinical testing. Allele origin: germline. Affected: yes. Observed: 2 variant alleles.

Breakthrough Genomics
Classification: Uncertain significance. Review status: criteria provided, single submitter. Criteria: ACMG Guidelines, 2015. Collection method: not provided. Allele origin: germline. Inheritance: Autosomal dominant inheritance. Affected: yes.